The following is an entry in ClinVar:

ClinVar aggregate classification (germline): Uncertain significance (1 of 4 stars; one submission).

Allele frequency attached by ClinVar (database versions not stated): gnomAD exomes below 0.00001; TOPMed 0.00001.
gnomAD v4.1: 1 of 1,375,494 alleles (0.000073%); highest among the groups gnomAD compares: Admixed American, 0.0035%; no homozygotes.

Submission:

Labcorp Genetics (formerly Invitae), Labcorp
Classification: Uncertain significance. Last evaluated: 2022-06-15. Review status: criteria provided, single submitter. Criteria: Invitae Variant Classification Sherloc (09022015). Collection method: clinical testing. Allele origin: germline.
Comment: Algorithms developed to predict the effect of missense changes on protein structure and function are either unavailable or do not agree on the potential impact of this missense change (SIFT: "Deleterious"; PolyPhen-2: "Benign"; Align-GVGD: "Class C0"). This variant has not been reported in the literature in individuals affected with CTDP1-related conditions. This variant is not present in population databases (gnomAD no frequency). This sequence change replaces serine, which is neutral and polar, with leucine, which is neutral and non-polar, at codon 85 of the CTDP1 protein (p.Ser85Leu). In summary, the available evidence is currently insufficient to determine the role of this variant in disease. Therefore, it has been classified as a Variant of Uncertain Significance.

NM_004715.5(CTDP1):c.254C>T (p.Ser85Leu)

Gene: CTDP1 (CTD phosphatase subunit 1; plus strand). Cytogenetic location: 18q23.
Variant type: single nucleotide variant.
Coding change: c.254C>T on transcript NM_004715.5 (MANE Select); coding-DNA position 254, C replaced by T.
Protein change: p.Ser85Leu; replaces serine 85 with leucine.
Molecular consequence: missense variant.
Genome position (GRCh38, 1-based): chr18:79,680,201, C>T. VCF-style: chr18-79680201-C-T. GRCh37 (hg19) VCF-style: chr18-77440201-C-T.
Other names: c.254C>T, p.Ser85Leu (NM_001318511.2, NM_048368.4); short protein forms S85L.
Identifiers: ClinVar variation 2185203 (VCV002185203.3), dbSNP rs915649307, ClinGen allele CA303774074.